The following is an entry in ClinVar:

ClinVar aggregate classification (germline): Uncertain significance (1 of 4 stars; one submission).

Conditions:
Intellectual developmental disorder, autosomal dominant 1. Also called: MBD5 Haploinsufficiency; Intellectual disability, autosomal dominant 1. Identifiers: Orphanet 228402, MedGen C1969562, MONDO:0007974, OMIM 156200.

gnomAD v4.1: 1 of 1,613,884 alleles (0.000062%); highest among the groups gnomAD compares: African/African-American, 0.0013%; no homozygotes.

Submission:

Labcorp Genetics (formerly Invitae), Labcorp
Classification: Uncertain significance for Intellectual developmental disorder, autosomal dominant 1. Last evaluated: 2025-03-05. Review status: criteria provided, single submitter. Criteria: Invitae Variant Classification Sherloc (09022015). Collection method: clinical testing. Allele origin: germline.
Comment: This sequence change replaces serine, which is neutral and polar, with threonine, which is neutral and polar, at codon 405 of the MBD5 protein (p.Ser405Thr). This variant is not present in population databases (gnomAD no frequency). This variant has not been reported in the literature in individuals affected with MBD5-related conditions. Invitae Evidence Modeling of protein sequence and biophysical properties (such as structural, functional, and spatial information, amino acid conservation, physicochemical variation, residue mobility, and thermodynamic stability) has been performed for this missense variant. However, the output from this modeling did not meet the statistical confidence thresholds required to predict the impact of this variant on MBD5 protein function. In summary, the available evidence is currently insufficient to determine the role of this variant in disease. Therefore, it has been classified as a Variant of Uncertain Significance.

NM_001378120.1(MBD5):c.1214G>C (p.Ser405Thr)

Gene: MBD5 (methyl-CpG binding domain protein 5; plus strand). Cytogenetic location: 2q23.1.
Variant type: single nucleotide variant.
Coding change: c.1214G>C on transcript NM_001378120.1 (MANE Select); coding-DNA position 1214, G replaced by C.
Protein change: p.Ser405Thr; replaces serine 405 with threonine.
Molecular consequence: missense variant.
Genome position (GRCh38, 1-based): chr2:148,469,157, G>C. VCF-style: chr2-148469157-G-C. GRCh37 (hg19) VCF-style: chr2-149226726-G-C.
Other names: c.1214G>C, p.Ser405Thr (NM_001438854.1, NM_001438855.1, NM_001438856.1 and 7 more transcripts); short protein forms S405T.
Identifiers: ClinVar variation 4760354 (VCV004760354.1).
Genomic context (GRCh38, chr2:148,469,157, plus strand): 5'-TCCACTCTCAGGTACCTATGATGAATGTAAGCATGCCTCCTGCTGTTGTTCCTTTGCCAA[G>C]TAATCTCCCATTGCCAACTGTAAAACCTGGTCACATGAATCATGGGAGTCATGTACAAAG-3'
Protein context (NP_001365049.1, residues 395-415): SMPPAVVPLP[Ser405Thr]NLPLPTVKPG